The following is an entry in ClinVar:

ClinVar aggregate classification (germline): Uncertain significance (1 of 4 stars; one submission).

Conditions:
Alstrom syndrome (ALMS). Identifiers: Orphanet 64, MedGen C0268425, MONDO:0008763, OMIM 203800.

Submission:

Labcorp Genetics (formerly Invitae), Labcorp
Classification: Uncertain significance for Alstrom syndrome. Last evaluated: 2021-11-01. Review status: criteria provided, single submitter. Criteria: Invitae Variant Classification Sherloc (09022015). Collection method: clinical testing. Allele origin: germline.
Comment: In summary, the available evidence is currently insufficient to determine the role of this variant in disease. Therefore, it has been classified as a Variant of Uncertain Significance. Experimental studies and prediction algorithms are not available or were not evaluated, and the functional significance of this variant is currently unknown. This variant has not been reported in the literature in individuals affected with ALMS1-related conditions. This variant is not present in population databases (gnomAD no frequency). This sequence change replaces methionine, which is neutral and non-polar, with valine, which is neutral and non-polar, at codon 2408 of the ALMS1 protein (p.Met2408Val).

NM_001378454.1(ALMS1):c.7219A>G (p.Met2407Val)

Gene: ALMS1 (ALMS1 centrosome and basal body associated protein; plus strand). Cytogenetic location: 2p13.1.
Variant type: single nucleotide variant.
Coding change: c.7219A>G on transcript NM_001378454.1 (MANE Select); coding-DNA position 7219, A replaced by G.
Protein change: p.Met2407Val; replaces methionine 2407 with valine.
Molecular consequence: missense variant.
Genome position (GRCh38, 1-based): chr2:73,453,746, A>G. VCF-style: chr2-73453746-A-G. GRCh37 (hg19) VCF-style: chr2-73680873-A-G.
Other names: c.7222A>G, p.Met2408Val (NM_015120.4); short protein forms M2408V, M2407V.
Identifiers: ClinVar variation 1383617 (VCV001383617.6), dbSNP rs1198704030, ClinGen allele CA347291679.